The following is an entry in ClinVar:

ClinVar aggregate classification (germline): Uncertain significance (1 of 4 stars; one submission).

gnomAD v4.1: 6 of 1,548,112 alleles (0.00039%); highest among the groups gnomAD compares: Non-Finnish European, 0.00052%; no homozygotes.

Submission:

Labcorp Genetics (formerly Invitae), Labcorp
Classification: Uncertain significance. Last evaluated: 2022-03-11. Review status: criteria provided, single submitter. Criteria: Invitae Variant Classification Sherloc (09022015). Collection method: clinical testing. Allele origin: germline.
Comment: This sequence change replaces serine, which is neutral and polar, with cysteine, which is neutral and slightly polar, at codon 3476 of the ZNF469 protein (p.Ser3476Cys). This variant is present in population databases (no rsID available, gnomAD 0.002%). This variant has not been reported in the literature in individuals affected with ZNF469-related conditions. Algorithms developed to predict the effect of missense changes on protein structure and function output the following: SIFT: "Tolerated"; PolyPhen-2: "Benign"; Align-GVGD: "Class C0". The cysteine amino acid residue is found in multiple mammalian species, which suggests that this missense change does not adversely affect protein function. In summary, the available evidence is currently insufficient to determine the role of this variant in disease. Therefore, it has been classified as a Variant of Uncertain Significance.

NM_001367624.2(ZNF469):c.10511C>G (p.Ser3504Cys)

Gene: ZNF469 (zinc finger protein 469; plus strand). Cytogenetic location: 16q24.2.
Variant type: single nucleotide variant.
Coding change: c.10511C>G on transcript NM_001367624.2 (MANE Select); coding-DNA position 10511, C replaced by G.
Protein change: p.Ser3504Cys; replaces serine 3504 with cysteine.
Molecular consequence: missense variant.
Genome position (GRCh38, 1-based): chr16:88,437,981, C>G. VCF-style: chr16-88437981-C-G. GRCh37 (hg19) VCF-style: chr16-88504389-C-G.
Other names: short protein forms S3504C.
Identifiers: ClinVar variation 2083892 (VCV002083892.1), dbSNP rs1329770485, ClinGen allele CA397127124.
Genomic context (GRCh38, chr16:88,437,981, plus strand): 5'-CTGGGCCCGGCGAGGACAGGCCTCCTCCCCGGGGAAGCAGCCCCATCCTGAGTGAGGGCT[C>G]TCTCCCGGCCCTGCTCCACCTGTGTTCGGAGGTGGCTCCCAGCACCACCAAGGGATGGCC-3'
Protein context (NP_001354553.1, residues 3494-3514): RGSSPILSEG[Ser3504Cys]LPALLHLCSE